The following is an entry in ClinVar:

NM_014845.6(FIG4):c.868A>G (p.Asn290Asp)

Gene: FIG4 (FIG4 phosphoinositide 5-phosphatase; plus strand). Cytogenetic location: 6q21.
Variant type: single nucleotide variant.
Coding change: c.868A>G on transcript NM_014845.6 (MANE Select); coding-DNA position 868, A replaced by G.
Protein change: p.Asn290Asp; replaces asparagine 290 with aspartic acid.
Molecular consequence: missense variant.
Genome position (GRCh38, 1-based): chr6:109,741,536, A>G. VCF-style: chr6-109741536-A-G. GRCh37 (hg19) VCF-style: chr6-110062739-A-G.
Other names: short protein forms N290D.
Identifiers: ClinVar variation 2656835 (VCV002656835.24), dbSNP rs2486132774, ClinGen allele CA365221439.

ClinVar aggregate classification (germline): Uncertain significance (1 of 4 stars; one submission).

Allele frequency attached by ClinVar (database versions not stated): gnomAD exomes below 0.00001.
gnomAD v4.1: 1 of 1,600,696 alleles (0.000062%); highest among the groups gnomAD compares: South Asian, 0.0011%; no homozygotes.

Submission:

CeGaT Center for Human Genetics Tuebingen
Classification: Uncertain significance. Last evaluated: 2023-04-01. Review status: criteria provided, single submitter. Criteria: CeGaT Center For Human Genetics Tuebingen Variant Classification Criteria Version 2. Collection method: clinical testing. Allele origin: germline. Affected: yes. Observed: 1 variant allele.
Comment: FIG4: PM2